The following is an entry in ClinVar:

NM_004304.5(ALK):c.1102C>T (p.His368Tyr)

Gene: ALK (ALK receptor tyrosine kinase; minus strand). Cytogenetic location: 2p23.2.
Variant type: single nucleotide variant.
Coding change: c.1102C>T on transcript NM_004304.5 (MANE Select); coding-DNA position 1102, C replaced by T.
Protein change: p.His368Tyr; replaces histidine 368 with tyrosine.
Molecular consequence: missense variant.
Genome position (GRCh38, 1-based): chr2:29,531,967, G>A on the plus strand (C>T on the coding strand, the complement: ALK is on the minus strand). VCF-style: chr2-29531967-G-A. GRCh37 (hg19) VCF-style: chr2-29754833-G-A.
Other names: short protein forms H368Y.
Identifiers: ClinVar variation 2566587 (VCV002566587.2), dbSNP rs879248560, ClinGen allele CA44957090.
Genomic context (GRCh38, chr2:29,531,967, plus strand): 5'-GTACTTACCCATGCTTCCCTGGAGTGGGCATCAGGAGGATCTCTCTTGCAGCCTCGTTGT[G>A]GGGCAGCAGCTGGGCAATGTACCTTCCAGAGGGCTGCAGGTGCCTGTGCACCGAGACGGC-3'
Protein context (NP_004295.2, residues 358-378): SGRYIAQLLP[His368Tyr]NEAAREILLM

ClinVar aggregate classification (germline): Uncertain significance (1 of 4 stars; one submission).

Conditions:
Hereditary cancer-predisposing syndrome. Also called: Hereditary neoplastic syndrome; Hereditary Cancer Syndrome; Neoplastic Syndromes, Hereditary; Tumor predisposition. Identifiers: Orphanet 140162, MedGen C0027672, MeSH D009386, MONDO:0015356.

Submission:

Ambry Genetics
Classification: Uncertain significance for Hereditary cancer-predisposing syndrome. Last evaluated: 2023-05-04. Review status: criteria provided, single submitter. Criteria: Ambry Variant Classification Scheme 2023. Collection method: clinical testing. Allele origin: germline.
Comment: The p.H368Y variant (also known as c.1102C>T), located in coding exon 4 of the ALK gene, results from a C to T substitution at nucleotide position 1102. The histidine at codon 368 is replaced by tyrosine, an amino acid with similar properties. This amino acid position is conserved. In addition, this alteration is predicted to be tolerated by in silico analysis. Since supporting evidence is limited at this time, the clinical significance of this alteration remains unclear.